The following is an entry in ClinVar:

ClinVar aggregate classification (germline): Uncertain significance. Review status: criteria provided, multiple submitters, no conflicts (2 of 4 stars). 2 submissions from 2 submitters: Uncertain significance (2). Last evaluated 2023-04-20.

Conditions:
Hypercholesterolemia, autosomal dominant, 3 (FHCL3). Also called: Familial Hypercholesterolemia, Autosomal Dominant, 3; PCSK9-Related Familial Hypercholesterolemia, Autosomal Dominant; Familial hypercholesterolemia 3. Identifiers: MedGen C1863551, MONDO:0011369, OMIM 603776.
PCSK9-related disorder. Also called: PCSK9-related condition; PCSK9-related disorders.

Submissions (2):

PreventionGenetics, part of Exact Sciences
Classification: Uncertain significance for PCSK9-related condition. Last evaluated: 2023-04-20. Review status: criteria provided, single submitter. Criteria: ACMG Guidelines, 2015. Collection method: clinical testing. Allele origin: germline.
Comment: The PCSK9 c.1430G>A variant is predicted to result in the amino acid substitution p.Cys477Tyr. To our knowledge, this variant has not been reported in the literature or in a large population database, indicating this variant is rare. At this time, the clinical significance of this variant is uncertain due to the absence of conclusive functional and genetic evidence.

All of Us Research Program, National Institutes of Health
Classification: Uncertain significance for Hypercholesterolemia, autosomal dominant, 3. Last evaluated: 2023-04-10. Review status: criteria provided, single submitter. Criteria: ACMG Guidelines, 2015. Collection method: clinical testing. Allele origin: germline. Inheritance: Autosomal dominant inheritance. Observed: 1 variant allele, 1 heterozygote.
Comment: This missense variant replaces cysteine with tyrosine at codon 477 of the PCSK9 protein. Computational prediction is inconclusive regarding the impact of this variant on protein structure and function (internally defined REVEL score threshold 0.5 < inconclusive < 0.7, PMID: 27666373). To our knowledge, functional studies have not been reported for this variant. This variant has not been reported in individuals affected with PCSK9-related disorders in the literature. This variant has not been identified in the general population by the Genome Aggregation Database (gnomAD). The available evidence is insufficient to determine the role of this variant in disease conclusively. Therefore, this variant is classified as a Variant of Uncertain Significance.

This study involves interpretation of variants in research participants for the purpose of population health screening. Participant phenotype was not available at the time of variant classification. Additional details can be found in publication PMID: 35346344, PMCID: PMC8962531

NM_174936.4(PCSK9):c.1430G>A (p.Cys477Tyr)

Gene: PCSK9 (proprotein convertase subtilisin/kexin type 9; plus strand). Cytogenetic location: 1p32.3.
Variant type: single nucleotide variant.
Coding change: c.1430G>A on transcript NM_174936.4 (MANE Select); coding-DNA position 1430, G replaced by A.
Protein change: p.Cys477Tyr; replaces cysteine 477 with tyrosine.
Molecular consequence: missense variant. On other transcripts: non-coding transcript variant (8), intron variant (1).
Genome position (GRCh38, 1-based): chr1:55,058,574, G>A. VCF-style: chr1-55058574-G-A. GRCh37 (hg19) VCF-style: chr1-55524247-G-A.
Other names: c.1553G>A, p.Cys518Tyr (NM_001407240.1); c.1430G>A, p.Cys477Tyr (NM_001407241.1); c.1433G>A, p.Cys478Tyr (NM_001407242.1); c.1373G>A, p.Cys458Tyr (NM_001407243.1); c.1256G>A, p.Cys419Tyr (NM_001407244.1); c.1238G>A, p.Cys413Tyr (NM_001407245.1); c.1055G>A, p.Cys352Tyr (NM_001407246.1); c.1180+1060G>A (NM_001407247.1); short protein forms C352Y, C413Y, C419Y, C458Y, C477Y, C478Y, C518Y.
Identifiers: ClinVar variation 2633256 (VCV002633256.2), dbSNP rs2523263448, ClinGen allele CA340478964.